The following is an entry in ClinVar:

ClinVar aggregate classification (germline): Uncertain significance (1 of 4 stars; one submission).

Conditions:
Neurofibromatosis, type 1 (NF1). Also called: NEUROFIBROMATOSIS, TYPE I, SOMATIC; Peripheral type neurofibromatosis; VON RECKLINGHAUSEN DISEASE; Neurofibromatosis, type I. Identifiers: Orphanet 636, MedGen C0027831, MONDO:0018975, OMIM 162200. Disease mechanism: loss of function.

Submission:

Labcorp Genetics (formerly Invitae), Labcorp
Classification: Uncertain significance for Neurofibromatosis, type 1. Last evaluated: 2020-03-06. Review status: criteria provided, single submitter. Criteria: Invitae Variant Classification Sherloc (09022015). Collection method: clinical testing. Allele origin: germline.
Comment: Algorithms developed to predict the effect of missense changes on protein structure and function are either unavailable or do not agree on the potential impact of this missense change (SIFT: "Deleterious"; PolyPhen-2: "Probably Damaging"; Align-GVGD: "Class C0"). This variant has not been reported in the literature in individuals with NF1-related conditions. This variant is not present in population databases (ExAC no frequency). This sequence change replaces serine with arginine at codon 1386 of the NF1 protein (p.Ser1386Arg). The serine residue is highly conserved and there is a moderate physicochemical difference between serine and arginine. In summary, the available evidence is currently insufficient to determine the role of this variant in disease. Therefore, it has been classified as a Variant of Uncertain Significance.

NM_001042492.3(NF1):c.4221T>G (p.Ser1407Arg)

Gene: NF1 (neurofibromin 1; plus strand). Cytogenetic location: 17q11.2.
Variant type: single nucleotide variant.
Coding change: c.4221T>G on transcript NM_001042492.3 (MANE Select); coding-DNA position 4221, T replaced by G.
Protein change: p.Ser1407Arg; replaces serine 1407 with arginine.
Molecular consequence: missense variant.
Genome position (GRCh38, 1-based): chr17:31,258,391, T>G. VCF-style: chr17-31258391-T-G. GRCh37 (hg19) VCF-style: chr17-29585409-T-G.
Other names: c.4158T>G, p.Ser1386Arg (NM_000267.4); short protein forms S1386R, S1407R.
Identifiers: ClinVar variation 1006015 (VCV001006015.5), dbSNP rs2067621366, ClinGen allele CA398997764.
Genomic context (GRCh38, chr17:31,258,391, plus strand): 5'-TCCTTGTTTTTAGGTGGTTAGCCAGCGTTTCCCTCAGAACAGCATCGGTGCAGTAGGAAG[T>G]GCCATGTTCCTCAGATTTATCAATCCTGCCATTGTCTCACCGTATGAAGCAGGGATTTTA-3'
Protein context (NP_001035957.1, residues 1397-1417): FPQNSIGAVG[Ser1407Arg]AMFLRFINPA